The following is an entry in ClinVar:

NM_022168.4(IFIH1):c.2724A>T (p.Lys908Asn)

Gene: IFIH1 (interferon induced with helicase C domain 1; minus strand). Cytogenetic location: 2q24.2.
Variant type: single nucleotide variant.
Coding change: c.2724A>T on transcript NM_022168.4 (MANE Select); coding-DNA position 2724, A replaced by T.
Protein change: p.Lys908Asn; replaces lysine 908 with asparagine.
Molecular consequence: missense variant.
Genome position (GRCh38, 1-based): chr2:162,268,170, T>A on the plus strand (A>T on the coding strand, the complement: IFIH1 is on the minus strand). VCF-style: chr2-162268170-T-A. GRCh37 (hg19) VCF-style: chr2-163124680-T-A.
Other names: short protein forms K908N.
Identifiers: ClinVar variation 1303431 (VCV001303431.6), dbSNP rs750467622, ClinGen allele CA1934094.
Genomic context (GRCh38, chr2:162,268,170, plus strand): 5'-GTGATGCATTTTCTCAATTACATGGATATCTTCCCCAGAACAGGCTAGCACACTGCAGTT[T>A]TTGCAAAGGAAAGTTATTAGTGATGGGTTATTCTTGTAATGCTTGGCAATATTTCTCTTG-3'
Protein context (NP_071451.2, residues 898-918): NNPSLITFLC[Lys908Asn]NCSVLACSGE

ClinVar aggregate classification (germline): Uncertain significance. Review status: criteria provided, multiple submitters, no conflicts (2 of 4 stars). 3 submissions from 3 submitters: Uncertain significance (3). Last evaluated 2024-01-30.

Conditions:
Aicardi-Goutieres syndrome 7 (AGS7). Identifiers: Orphanet 51, MedGen C3888244, MONDO:0014367, OMIM 615846.
Singleton-Merten syndrome 1 (SGMRT1). Also called: Widened medullary cavities of bone, aortic calcification, abnormal dentition, and muscular weakness; Syndrome of widened medullary cavities of the metacarpals and phalanges, aortic calcification and abnormal dentition. Identifiers: Orphanet 85191, MedGen C4225427, MONDO:0024535, OMIM 182250.
IFIH1-related disorder. Also called: IFIH1-related condition.

Allele frequency attached by ClinVar (database versions not stated): gnomAD exomes below 0.00001; ExAC 0.00001; gnomAD 0.00001; TOPMed 0.00001.
gnomAD v4.1: 3 of 1,613,680 alleles (0.00019%); highest among the groups gnomAD compares: Non-Finnish European, 0.00017%; no homozygotes.

Submissions (3):

Labcorp Genetics (formerly Invitae), Labcorp
Classification: Uncertain significance for Aicardi-Goutieres syndrome 7; Singleton-Merten syndrome 1. Last evaluated: 2024-01-30. Review status: criteria provided, single submitter. Criteria: Invitae Variant Classification Sherloc (09022015). Collection method: clinical testing. Allele origin: germline.
Comment: This sequence change replaces lysine, which is basic and polar, with asparagine, which is neutral and polar, at codon 908 of the IFIH1 protein (p.Lys908Asn). This variant is present in population databases (rs750467622, gnomAD 0.0009%). This variant has not been reported in the literature in individuals affected with IFIH1-related conditions. ClinVar contains an entry for this variant (Variation ID: 1303431). Advanced modeling of protein sequence and biophysical properties (such as structural, functional, and spatial information, amino acid conservation, physicochemical variation, residue mobility, and thermodynamic stability) has been performed at Invitae for this missense variant, however the output from this modeling did not meet the statistical confidence thresholds required to predict the impact of this variant on IFIH1 protein function. In summary, the available evidence is currently insufficient to determine the role of this variant in disease. Therefore, it has been classified as a Variant of Uncertain Significance.

PreventionGenetics, part of Exact Sciences
Classification: Uncertain significance for IFIH1-related condition. Last evaluated: 2022-09-26. Review status: criteria provided, single submitter. Criteria: ACMG Guidelines, 2015. Collection method: clinical testing. Allele origin: germline.
Comment: The IFIH1 c.2724A>T variant is predicted to result in the amino acid substitution p.Lys908Asn. To our knowledge, this variant has not been reported in the literature. This variant is reported in 0.00088% of alleles in individuals of European (Non-Finnish) descent in gnomAD. At this time, the clinical significance of this variant is uncertain due to the absence of conclusive functional and genetic evidence.

GeneDx
Classification: Uncertain significance. Last evaluated: 2019-10-04. Review status: criteria provided, single submitter. Criteria: GeneDx Variant Classification Process June 2021. Collection method: clinical testing. Allele origin: germline. Affected: yes.
Comment: Not observed at a significant frequency in large population cohorts (Lek et al., 2016); In silico analysis, which includes protein predictors and evolutionary conservation, supports that this variant does not alter protein structure/function; Has not been previously published as pathogenic or benign to our knowledge